The following is an entry in ClinVar:

NM_020987.5(ANK3):c.8674G>A (p.Asp2892Asn)

Gene: ANK3 (ankyrin 3; minus strand). Cytogenetic location: 10q21.2.
Variant type: single nucleotide variant.
Coding change: c.8674G>A on transcript NM_020987.5 (MANE Select); coding-DNA position 8674, G replaced by A.
Protein change: p.Asp2892Asn; replaces aspartic acid 2892 with asparagine.
Molecular consequence: missense variant. On other transcripts: intron variant (4).
Genome position (GRCh38, 1-based): chr10:60,072,207, C>T on the plus strand (G>A on the coding strand, the complement: ANK3 is on the minus strand). VCF-style: chr10-60072207-C-T. GRCh37 (hg19) VCF-style: chr10-61831965-C-T.
Other names: c.4388-4198G>A (NM_001204403.2); c.4409-4198G>A (NM_001204404.2); c.4406-4198G>A (NM_001320874.2); c.1808-4198G>A (NM_001149.4); short protein forms D2892N.
Identifiers: ClinVar variation 388831 (VCV000388831.3), dbSNP rs769577208, ClinGen allele CA5511508.
Genomic context (GRCh38, chr10:60,072,207, plus strand): 5'-AGCCGTTTGTTAACAATTTGCGTTCTCTCTCAGTCACAGACATAAATTCATTCTTTTGAT[C>T]AACACTTTTACTCTCAGGGTGACCAATGTGATTCTCTCTTACATCATGAACAAGTACATG-3'
Protein context (NP_066267.2, residues 2882-2902): HIGHPESKSV[Asp2892Asn]QKNEFMSVTE

ClinVar aggregate classification (germline): Conflicting classifications of pathogenicity. Review status: criteria provided, conflicting classifications (1 of 4 stars). 2 submissions from 2 submitters: Uncertain significance (1); Likely benign (1). Last evaluated 2025-06-12.

Conditions:
Inborn genetic diseases. Identifiers: MedGen C0950123, MeSH D030342.

Allele frequency attached by ClinVar (database versions not stated): gnomAD exomes 0.00001 and 0.00004; ExAC 0.00002; TOPMed 0.00001.
gnomAD v4.1: 8 of 1,613,810 alleles (0.0005%); highest among the groups gnomAD compares: Admixed American, 0.013%; no homozygotes.

Submissions (2):

Ambry Genetics
Classification: Likely benign for Inborn genetic diseases. Last evaluated: 2025-06-12. Review status: criteria provided, single submitter. Criteria: Ambry Variant Classification Scheme 2023. Collection method: clinical testing. Allele origin: germline.

GeneDx
Classification: Uncertain significance. Last evaluated: 2016-08-30. Review status: criteria provided, single submitter. Criteria: GeneDx Variant Classification (06012015). Collection method: clinical testing. Allele origin: germline. Affected: yes.
Comment: The D2892N variant in the ANK3 gene has not been reported previously as a pathogenic variant, nor as a benign variant, to our knowledge. The D2892N variant was not observed in approximately 6500 individuals of European and African American ancestry in the NHLBI Exome Sequencing Project, indicating it is not a common benign variant in these populations. The D2892N variant is a semi-conservative amino acid substitution, which may impact secondary protein structure as these residues differ in some properties. This substitution occurs at a position that is not conserved across species. In silico analysis is inconsistent in its predictions as to whether or not the variant is damaging to the protein structure/function. We interpret D2892N as a variant of uncertain significance.